The following is an entry in ClinVar:

ClinVar aggregate classification (germline): Uncertain significance (1 of 4 stars; one submission).

Submission:

GeneDx
Classification: Uncertain significance. Last evaluated: 2024-12-11. Review status: criteria provided, single submitter. Criteria: GeneDx Variant Classification Process June 2021. Collection method: clinical testing. Allele origin: germline. Affected: yes.
Comment: Not observed at significant frequency in large population cohorts (gnomAD); In silico analysis supports that this missense variant has a deleterious effect on protein structure/function; Has not been previously published as pathogenic or benign to our knowledge

NM_004586.3(RPS6KA3):c.1450G>A (p.Asp484Asn)

Gene: RPS6KA3 (ribosomal protein S6 kinase A3; minus strand). Cytogenetic location: Xp22.12.
Variant type: single nucleotide variant.
Coding change: c.1450G>A on transcript NM_004586.3 (MANE Select); coding-DNA position 1450, G replaced by A.
Protein change: p.Asp484Asn; replaces aspartic acid 484 with asparagine.
Molecular consequence: missense variant.
Genome position (GRCh38, 1-based): chrX:20,167,741, C>T on the plus strand (G>A on the coding strand, the complement: RPS6KA3 is on the minus strand). VCF-style: chrX-20167741-C-T. GRCh37 (hg19) VCF-style: chrX-20185859-C-T.
Other names: short protein forms D484N.
Identifiers: ClinVar variation 3903039 (VCV003903039.1).